The following is an entry in ClinVar:

NM_004621.6(TRPC6):c.2009+63C>T

Gene: TRPC6 (transient receptor potential cation channel subfamily C member 6; minus strand). Cytogenetic location: 11q22.1.
Variant type: single nucleotide variant.
Coding change: c.2009+63C>T on transcript NM_004621.6 (MANE Select); 63 bases into the intron after coding-DNA position 2009, C replaced by T.
Molecular consequence: intron variant.
Genome position (GRCh38, 1-based): chr11:101,473,446, G>A on the plus strand (C>T on the coding strand, the complement: TRPC6 is on the minus strand). VCF-style: chr11-101473446-G-A. GRCh37 (hg19) VCF-style: chr11-101344177-G-A.
Identifiers: ClinVar variation 1234118 (VCV001234118.6), dbSNP rs12362848, ClinGen allele CA13490763.

ClinVar aggregate classification (germline): Benign. Review status: criteria provided, multiple submitters, no conflicts (2 of 4 stars). 3 submissions from 3 submitters: Benign (3). Last evaluated 2024-07-15.

Allele frequency attached by ClinVar (database versions not stated): 1000 Genomes Project 0.29892; 1000 Genomes Project 30x 0.30481; gnomAD 0.31340 and 0.32072; TOPMed 0.31869.
gnomAD v4.1: 393,750 of 1,567,534 alleles (25%); highest among the groups gnomAD compares: African/African-American, 55%; 54,145 homozygotes.

Submissions (3):

Unidad de Genómica Garrahan, Hospital de Pediatría Garrahan
Classification: Benign. Last evaluated: 2024-07-15. Review status: criteria provided, single submitter. Criteria: ACMG Guidelines, 2015. Collection method: clinical testing. Allele origin: germline. Affected: no. Observed: 37 variant alleles.
Comment: This variant is classified as Benign based on local population frequency. This variant was detected in 40% of patients studied in a panel designed for Epileptic and Developmental Encephalopathy and Progressive Myoclonus Epilepsy. Number of patients: 37. Only high quality variants are reported.

GeneDx
Classification: Benign. Last evaluated: 2019-08-20. Review status: criteria provided, single submitter. Criteria: GeneDx Variant Classification Process June 2021. Collection method: clinical testing. Allele origin: germline. Affected: yes.

Breakthrough Genomics
Classification: Benign. Review status: criteria provided, single submitter. Criteria: ACMG Guidelines, 2015. Collection method: not provided. Allele origin: germline. Inheritance: Autosomal dominant inheritance. Affected: yes.